The following is an entry in ClinVar:

ClinVar aggregate classification (germline): Likely benign. Review status: criteria provided, single submitter (1 of 4 stars). 2 submissions from 2 submitters: Likely benign (1). 1 of the submissions does not count toward it. Last evaluated 2025-03-10.

Conditions:
Ehlers-Danlos syndrome, classic type, 1 (EDSCL1). Also called: EHLERS-DANLOS SYNDROME, GRAVIS TYPE; EHLERS-DANLOS SYNDROME, SEVERE CLASSIC TYPE; EDS I; Ehlers-Danlos Syndrome, Classic Type, COL5A1-Related; Ehlers-Danlos syndrome, type 1. Identifiers: MedGen C0268335, MONDO:0019567, OMIM 130000.

Allele frequency attached by ClinVar (database versions not stated): gnomAD exomes 0.00002 and 0.00001; ESP Exome Variant Server 0.00008; gnomAD 0.00001; ExAC 0.00002.
gnomAD v4.1: 19 of 1,605,430 alleles (0.0012%); highest among the groups gnomAD compares: South Asian, 0.0022%; no homozygotes.

Submissions (2):

Labcorp Genetics (formerly Invitae), Labcorp
Classification: Likely benign for Ehlers-Danlos syndrome, classic type, 1. Last evaluated: 2025-03-10. Review status: criteria provided, single submitter. Criteria: Invitae Variant Classification Sherloc (09022015). Collection method: clinical testing. Allele origin: germline.

Department of Pathology and Laboratory Medicine, Sinai Health System
Classification: Uncertain significance. Review status: no assertion criteria provided. Collection method: clinical testing. Allele origin: unknown. Affected: yes. Study: The Canadian Open Genetics Repository (COGR). Not counted in ClinVar's aggregate classification.
Comment: The COL5A2 p.R1106Q variant was not identified in the literature nor was it identified in ClinVar. The variant was identified in dbSNP (ID: rs369725456) and in control databases in 6 of 277644 chromosomes at a frequency of 0.00002161 (Genome Aggregation Database March 6, 2019, v2.1.1). The p.R1106 residue is conserved in mammals and computational analyses (MUT Assesor, SIFT, MutationTaster, Revel, FATHMM, MetaLR, DANN) provide inconsistent predictions regarding the impact to the protein; this information is not very predictive of pathogenicity. The variant occurs outside of the splicing consensus sequence and in silico or computational prediction software programs (Splice AI exome) do not predict a difference in splicing. In summary, based on the above information the clinical significance of this variant cannot be determined with certainty at this time. This variant is classified as a variant of uncertain significance.

NM_000393.5(COL5A2):c.3317G>A (p.Arg1106Gln)

Gene: COL5A2 (collagen type V alpha 2 chain; minus strand). Cytogenetic location: 2q32.2.
Variant type: single nucleotide variant.
Coding change: c.3317G>A on transcript NM_000393.5 (MANE Select); coding-DNA position 3317, G replaced by A.
Protein change: p.Arg1106Gln; replaces arginine 1106 with glutamine.
Molecular consequence: missense variant.
Genome position (GRCh38, 1-based): chr2:189,045,225, C>T on the plus strand (G>A on the coding strand, the complement: COL5A2 is on the minus strand). VCF-style: chr2-189045225-C-T. GRCh37 (hg19) VCF-style: chr2-189909951-C-T.
Other names: short protein forms R1106Q.
Identifiers: ClinVar variation 1050244 (VCV001050244.7), dbSNP rs369725456, ClinGen allele CA2022036.